The following is an entry in ClinVar:

NM_002890.3(RASA1):c.115C>G (p.Pro39Ala)

Gene: RASA1 (RAS p21 protein activator 1; plus strand). Cytogenetic location: 5q14.3.
Variant type: single nucleotide variant.
Coding change: c.115C>G on transcript NM_002890.3 (MANE Select); coding-DNA position 115, C replaced by G.
Protein change: p.Pro39Ala; replaces proline 39 with alanine.
Molecular consequence: missense variant.
Genome position (GRCh38, 1-based): chr5:87,268,566, C>G. VCF-style: chr5-87268566-C-G. GRCh37 (hg19) VCF-style: chr5-86564383-C-G.
Other names: short protein forms P39A.
Identifiers: ClinVar variation 1002270 (VCV001002270.9), dbSNP rs772125504, ClinGen allele CA3335329.

ClinVar aggregate classification (germline): Uncertain significance (1 of 4 stars; one submission).

Conditions:
Capillary malformation-arteriovenous malformation syndrome. Also called: Capillary malformation-arteriovenous malformation. Identifiers: Orphanet 137667, MedGen C1842180, MONDO:0012016.

Allele frequency attached by ClinVar (database versions not stated): gnomAD 0.00001.
gnomAD v4.1: 4 of 1,606,484 alleles (0.00025%); no homozygotes.

Submission:

Labcorp Genetics (formerly Invitae), Labcorp
Classification: Uncertain significance for Capillary malformation-arteriovenous malformation syndrome. Last evaluated: 2023-06-02. Review status: criteria provided, single submitter. Criteria: Invitae Variant Classification Sherloc (09022015). Collection method: clinical testing. Allele origin: germline.
Comment: In summary, the available evidence is currently insufficient to determine the role of this variant in disease. Therefore, it has been classified as a Variant of Uncertain Significance. An algorithm developed to predict the effect of missense changes on protein structure and function (PolyPhen-2) suggests that this variant is likely to be disruptive. ClinVar contains an entry for this variant (Variation ID: 1002270). This variant has not been reported in the literature in individuals affected with RASA1-related conditions. This variant is present in population databases (rs772125504, gnomAD 0.01%). This sequence change replaces proline, which is neutral and non-polar, with alanine, which is neutral and non-polar, at codon 39 of the RASA1 protein (p.Pro39Ala).